The following is an entry in ClinVar:

NM_000123.4(ERCC5):c.2329C>T (p.Arg777Cys)

Genes: BIVM-ERCC5 (BIVM-ERCC5 readthrough; plus strand), ERCC5 (ERCC excision repair 5, endonuclease; plus strand), LOC126861834 (BRD4-independent group 4 enhancer GRCh37_chr13:103518038-103519237; plus strand). Cytogenetic location: 13q33.1.
Variant type: single nucleotide variant.
Coding change: c.2329C>T on transcript NM_000123.4 (MANE Select); coding-DNA position 2329, C replaced by T.
Protein change: p.Arg777Cys; replaces arginine 777 with cysteine.
Molecular consequence: missense variant.
Genome position (GRCh38, 1-based): chr13:102,866,641, C>T. VCF-style: chr13-102866641-C-T. GRCh37 (hg19) VCF-style: chr13-103518991-C-T.
Other names: c.3691C>T, p.Arg1231Cys (NM_001204425.2); short protein forms R1231C, R777C.
Identifiers: ClinVar variation 1692183 (VCV001692183.1), dbSNP rs778197574, ClinGen allele CA7041615.

ClinVar aggregate classification (germline): Uncertain significance (1 of 4 stars; one submission).

Conditions:
Hereditary cancer-predisposing syndrome. Also called: Hereditary Cancer Syndrome; Hereditary neoplastic syndrome; Neoplastic Syndromes, Hereditary; Tumor predisposition. Identifiers: Orphanet 140162, MedGen C0027672, MeSH D009386, MONDO:0015356.

Allele frequency attached by ClinVar (database versions not stated): gnomAD exomes 0.00002; ExAC 0.00004; TOPMed 0.00005; gnomAD 0.00009.
gnomAD v4.1: 41 of 1,613,178 alleles (0.0025%); highest among the groups gnomAD compares: African/African-American, 0.017%; no homozygotes.

Submission:

Sema4
Classification: Uncertain significance for Hereditary cancer-predisposing syndrome. Last evaluated: 2021-08-26. Review status: criteria provided, single submitter. Criteria: Sema4 Curation Guidelines. Collection method: curation. Allele origin: germline.
Comment: The ERCC5 c.2329C>T (p.R777C) variant has not been reported in the literature to our knowledge. It was observed in 4/24942 chromosomes of the African/African American subpopulation in the large and broad cohorts of the Genome Aggregation Database (PMID: 32461654). The variant has not been reported in ClinVar. Functional studies have not been performed, and in silico predictions of the variant's effect on protein function are inconclusive. The evidence is insufficient to meet ACMG/AMP criteria for classifying the variant as benign or pathogenic. Thus, the clinical significance of this variant is currently uncertain.